The following is an entry in ClinVar:

ClinVar aggregate classification (germline): Uncertain significance. Review status: criteria provided, multiple submitters, no conflicts (2 of 4 stars). 2 submissions from 2 submitters: Uncertain significance (2). Last evaluated 2025-04-13.

Conditions:
Inborn genetic diseases. Identifiers: MedGen C0950123, MeSH D030342.

Allele frequency attached by ClinVar (database versions not stated): gnomAD exomes below 0.00001 and 0.00001; gnomAD 0.00001; TOPMed 0.00001.
gnomAD v4.1: 7 of 1,599,082 alleles (0.00044%); highest among the groups gnomAD compares: South Asian, 0.0011%; no homozygotes.

Submissions (2):

Ambry Genetics
Classification: Uncertain significance for Inborn genetic diseases. Last evaluated: 2025-04-13. Review status: criteria provided, single submitter. Criteria: Ambry Variant Classification Scheme 2023. Collection method: clinical testing. Allele origin: germline.

Labcorp Genetics (formerly Invitae), Labcorp
Classification: Uncertain significance. Last evaluated: 2022-03-03. Review status: criteria provided, single submitter. Criteria: Invitae Variant Classification Sherloc (09022015). Collection method: clinical testing. Allele origin: germline.
Comment: In summary, the available evidence is currently insufficient to determine the role of this variant in disease. Therefore, it has been classified as a Variant of Uncertain Significance. Algorithms developed to predict the effect of missense changes on protein structure and function (SIFT, PolyPhen-2, Align-GVGD) all suggest that this variant is likely to be disruptive. ClinVar contains an entry for this variant (Variation ID: 1014251). This variant has not been reported in the literature in individuals affected with KIAA1549-related conditions. The frequency data for this variant in the population databases is considered unreliable, as metrics indicate poor data quality at this position in the gnomAD database. This sequence change replaces histidine, which is basic and polar, with tyrosine, which is neutral and polar, at codon 1823 of the KIAA1549 protein (p.His1823Tyr).

NM_001164665.2(KIAA1549):c.5467C>T (p.His1823Tyr)

Gene: KIAA1549 (KIAA1549; minus strand). Cytogenetic location: 7q34.
Variant type: single nucleotide variant.
Coding change: c.5467C>T on transcript NM_001164665.2 (MANE Select); coding-DNA position 5467, C replaced by T.
Protein change: p.His1823Tyr; replaces histidine 1823 with tyrosine.
Molecular consequence: missense variant.
Genome position (GRCh38, 1-based): chr7:138,840,264, G>A on the plus strand (C>T on the coding strand, the complement: KIAA1549 is on the minus strand). VCF-style: chr7-138840264-G-A. GRCh37 (hg19) VCF-style: chr7-138525009-G-A.
Other names: c.5467C>T, p.His1823Tyr (NM_020910.3); c.5467C>T (NM_001164665.1); short protein forms H1823Y.
Identifiers: ClinVar variation 1014251 (VCV001014251.9), dbSNP rs755108382, ClinGen allele CA167136587.